The following is an entry in ClinVar:

ClinVar aggregate classification (germline): Pathogenic (1 of 4 stars; one submission).

Conditions:
Danon disease. Also called: PSEUDOGLYCOGENOSIS II; GSD IIb; LYSOSOMAL GLYCOGEN STORAGE DISEASE WITHOUT ACID MALTASE DEFICIENCY; ANTOPOL DISEASE; Glycogen Storage Disease Type IIb. Identifiers: Orphanet 34587, MedGen C0878677, MONDO:0010281, OMIM 300257.

Submission:

Labcorp Genetics (formerly Invitae), Labcorp
Classification: Pathogenic for Danon disease. Last evaluated: 2016-02-23. Review status: criteria provided, single submitter. Criteria: Invitae Variant Classification Sherloc (09022015). Collection method: clinical testing. Allele origin: germline.
Comment: For these reasons, this variant has been classified as Pathogenic. While this particular variant has not been reported in the literature, truncating variants in LAMP2 are known to be pathogenic (PMID: 21415759). This sequence change affects an acceptor splice site in intron 7 of the LAMP2 gene and also removes 142 nucleotides from exon 8. It is expected to disrupt mRNA splicing and likely results in an absent or disrupted protein product.

Literature cited by the submitters: PubMed 21415759.

NM_002294.3(LAMP2):c.929-197_1070del

Gene: LAMP2 (lysosome associated membrane protein 2; minus strand). Cytogenetic location: Xq24.
Variant type: Deletion.
Coding change: c.929-197_1070del on transcript NM_002294.3 (MANE Select); 197 bases into the intron before coding-DNA position 929 through coding-DNA position 1070, 339 bases deleted.
Molecular consequence: splice acceptor variant.
Genome position (GRCh38, 1-based): chrX:120,441,753-120,442,091, 339 bases deleted. GRCh37 (hg19): chrX:119,575,609-119,575,947.
Other names: c.929-197_1070del (NM_001122606.1, NM_013995.2).
Identifiers: ClinVar variation 1075078 (VCV001075078.9), dbSNP rs2147278850, ClinGen allele CA2499226349.